The following is an entry in ClinVar:

ClinVar aggregate classification (germline): Pathogenic (1 of 4 stars; one submission).

Conditions:
Hereditary cancer-predisposing syndrome. Also called: Neoplastic Syndromes, Hereditary; Tumor predisposition; Hereditary Cancer Syndrome; Hereditary neoplastic syndrome. Identifiers: Orphanet 140162, MedGen C0027672, MeSH D009386, MONDO:0015356.

Submission:

Ambry Genetics
Classification: Pathogenic for Hereditary cancer-predisposing syndrome. Last evaluated: 2020-08-13. Review status: criteria provided, single submitter. Criteria: Ambry Variant Classification Scheme 2023. Collection method: clinical testing. Allele origin: germline.
Comment: The c.415_422delTACAGCAA pathogenic mutation, located in coding exon 2 of the CHEK2 gene, results from a deletion of 8 nucleotides at nucleotide positions 415 to 422, causing a translational frameshift with a predicted alternate stop codon (p.Y139Efs*12). This alteration is expected to result in loss of function by premature protein truncation or nonsense-mediated mRNA decay. As such, this alteration is interpreted as a disease-causing mutation.

NM_007194.4(CHEK2):c.415_422del (p.Tyr139fs)

Gene: CHEK2 (checkpoint kinase 2; minus strand). Cytogenetic location: 22q12.1.
Variant type: Deletion.
Coding change: c.415_422del on transcript NM_007194.4 (MANE Select); coding-DNA positions 415 to 422, 8 bases deleted (TACAGCAA; older notation c.415_422delTACAGCAA).
Protein change: p.Tyr139fs; shifts the reading frame from tyrosine 139.
Molecular consequence: frameshift variant.
Genome position (GRCh38, 1-based): chr22:28,725,265-28,725,272, TTGCTGTA deleted on the plus strand (TACAGCAA on the coding strand, the reverse complement: CHEK2 is on the minus strand); deleting any 8 consecutive bases within chr22:28,725,265-28,725,273 gives the same sequence; the c. name uses the placement nearest the transcript's 3' end. VCF-style (leftmost placement, unchanged base first): chr22-28725264-CTTGCTGTA-C. GRCh37 (hg19) VCF-style: chr22-29121252-CTTGCTGTA-C.
Other names: c.543_550delATACAGCA, p.Tyr182Glufs (NM_001005735.3); c.-364_-357delATACAGCA (NM_001257387.3); c.414_421delATACAGCA, p.Tyr139Glufs (NM_001349956.3, NM_145862.3); short protein forms Y139fs, Y182fs.
Identifiers: ClinVar variation 1738259 (VCV001738259.2), dbSNP rs2518058506, ClinGen allele CA2580099506.
Genomic context (GRCh38, chr22:28,725,264, plus strand): 5'-TTACCAGCTCTCCTAGATACATGGGTATTCATTACCTACCCTGAAAATCCGAAAGTGTTT[CTTGCTGTA>C]TGTTCGGTATTTATCTGTTCTTTTCAGCAGTGGTTCATCAAAGCAATATTCACAGCTTTT-3'